The following is an entry in ClinVar:

NM_033380.3(COL4A5):c.1093G>A (p.Gly365Arg)

Gene: COL4A5 (collagen type IV alpha 5 chain; plus strand). Cytogenetic location: Xq22.3.
Variant type: single nucleotide variant.
Coding change: c.1093G>A on transcript NM_033380.3 (MANE Select); coding-DNA position 1093, G replaced by A.
Protein change: p.Gly365Arg; replaces glycine 365 with arginine.
Molecular consequence: missense variant.
Genome position (GRCh38, 1-based): chrX:108,586,675, G>A. VCF-style: chrX-108586675-G-A. GRCh37 (hg19) VCF-style: chrX-107829905-G-A.
Other names: c.1093G>A, p.Gly365Arg (NM_000495.5); short protein forms G365R.
Identifiers: ClinVar variation 1074914 (VCV001074914.11), dbSNP rs2147788229, ClinGen allele CA413930405.
Genomic context (GRCh38, chrX:108,586,675, plus strand): 5'-GTAATTCCTAGACCTGGGACTGGTATAACTATAGGAGAAAAAGGAAACATTGGGTTGCCT[G>A]GGTTGCCTGGAGAAAAAGGAGAGCGAGGATTTCCTGGAATACAGGGTCCACCTGGCCTTC-3'
Protein context (NP_203699.1, residues 355-375): IGEKGNIGLP[Gly365Arg]LPGEKGERGF

ClinVar aggregate classification (germline): Pathogenic/Likely pathogenic. Review status: criteria provided, multiple submitters, no conflicts (2 of 4 stars). 3 submissions from 3 submitters: Pathogenic (2); Likely pathogenic (1). Last evaluated 2026-06-14.

Conditions:
Hematuria. Identifiers: MedGen C0018965, HP:0000790.

Submissions (3):

Genetics Laboratory, Great Ormond Street Hospital NHS Foundation Trust, North Thames Genomic Laboratory Hub
Classification: Likely pathogenic for Haematuria. Last evaluated: 2026-06-14. Review status: criteria provided, single submitter. Criteria: ACGS Best Practice Guidelines for Variant Classification in Rare Disease 2024 v1.2. Collection method: clinical testing. Allele origin: germline. Affected: yes.
Comment: PM2_moderate, PP3_supporting, PM5_moderate, PM1_strong

Athena Diagnostics
Classification: Pathogenic. Last evaluated: 2021-12-09. Review status: criteria provided, single submitter. Criteria: Athena Diagnostics Criteria. Collection method: clinical testing. Allele origin: unknown.
Comment: This variant has not been reported in large, multi-ethnic general populations. This variant has been identified in at least one individual tested at Athena Diagnostics with clinical features associated with this gene. The majority of the pathogenic variants in this gene involve the substitution of a glycine residue in the triple-helix domain, resulting in disruption of protein function (PMID: 29632050, 21421911, 19344236). At least one other missense variant at this codon is considered to be pathogenic or likely pathogenic, suggesting this variant may also cause disease. Computational tools yielded predictions that this variant may result in the gain of a cryptic splice site without affecting the natural splice sites. This variant alters a critical location within the protein, and is expected to severely affect function and cause disease.

Labcorp Genetics (formerly Invitae), Labcorp
Classification: Pathogenic. Last evaluated: 2020-10-04. Review status: criteria provided, single submitter. Criteria: Invitae Variant Classification Sherloc (09022015). Collection method: clinical testing. Allele origin: germline.
Comment: Algorithms developed to predict the effect of sequence changes on RNA splicing suggest that this variant may create or strengthen a splice site, but this prediction has not been confirmed by published transcriptional studies. This variant disrupts the triple helix domain of COL4A5. Glycine residues within the Gly-Xaa-Yaa repeats of the triple helix domain are required for the structure and stability of fibrillar collagens (PMID: 7695699, 8218237, 19344236). In COL4A5, missense variants at these glycine residues are significantly enriched in individuals with disease (PMID: 23720012, 27627812) compared to the general population (ExAC). For these reasons, this variant has been classified as Pathogenic. This variant has been observed in individual(s) with Alport syndrome (Invitae). This sequence change replaces glycine with arginine at codon 365 of the COL4A5 protein (p.Gly365Arg). The glycine residue is moderately conserved and there is a moderate physicochemical difference between glycine and arginine. This variant is not present in population databases (ExAC no frequency). Advanced modeling of protein sequence and biophysical properties (such as structural, functional, and spatial information, amino acid conservation, physicochemical variation, residue mobility, and thermodynamic stability) performed at Invitae indicates that this missense variant is expected to disrupt COL4A5 protein function. This variant disrupts the p.Gly365 amino acid residue in COL4A5. Other variant(s) that disrupt this residue have been observed in individuals with COL4A5-related conditions (PMID: 28632965, 8738805), which suggests that this may be a clinically significant amino acid residue.

Literature cited by the submitters: PubMed 7695699 (cited by Labcorp Genetics (formerly Invitae), Labcorp); PubMed 8218237 (cited by Labcorp Genetics (formerly Invitae), Labcorp); PubMed 19344236 (cited by Labcorp Genetics (formerly Invitae), Labcorp); PubMed 23720012 (cited by Labcorp Genetics (formerly Invitae), Labcorp); PubMed 27627812 (cited by Labcorp Genetics (formerly Invitae), Labcorp); PubMed 28632965 (cited by Labcorp Genetics (formerly Invitae), Labcorp); PubMed 8738805 (cited by Labcorp Genetics (formerly Invitae), Labcorp).